The following is an entry in ClinVar:

ClinVar aggregate classification (germline): Uncertain significance. Review status: criteria provided, multiple submitters, no conflicts (2 of 4 stars). 2 submissions from 2 submitters: Uncertain significance (2). Last evaluated 2025-11-10.

Conditions:
Hajdu-Cheney syndrome (HJCYS). Also called: ACROOSTEOLYSIS WITH OSTEOPOROSIS AND CHANGES IN SKULL AND MANDIBLE; SERPENTINE FIBULA-POLYCYSTIC KIDNEY SYNDROME; Acroosteolysis dominant type. Identifiers: Orphanet 955, MedGen C0917715, MONDO:0007057, OMIM 102500.
NOTCH2-related disorder. Also called: NOTCH2-related condition.

Submissions (2):

PreventionGenetics, part of Exact Sciences
Classification: Uncertain significance for NOTCH2-related condition. Last evaluated: 2025-11-10. Review status: criteria provided, single submitter. Criteria: ACMG Guidelines, 2015. Collection method: clinical testing. Allele origin: germline.
Comment: The NOTCH2 c.2999G>C variant is predicted to result in the amino acid substitution p.Gly1000Ala. To our knowledge, this variant has not been reported in the literature or in a large population database (gnomAD), indicating this variant is rare. At this time, the clinical significance of this variant is uncertain due to the absence of conclusive functional and genetic evidence.

Labcorp Genetics (formerly Invitae), Labcorp
Classification: Uncertain significance for Hajdu-Cheney syndrome. Last evaluated: 2024-12-16. Review status: criteria provided, single submitter. Criteria: Invitae Variant Classification Sherloc (09022015). Collection method: clinical testing. Allele origin: germline.
Comment: This sequence change replaces glycine, which is neutral and non-polar, with alanine, which is neutral and non-polar, at codon 1000 of the NOTCH2 protein (p.Gly1000Ala). This variant is not present in population databases (gnomAD no frequency). This variant has not been reported in the literature in individuals affected with NOTCH2-related conditions. Invitae Evidence Modeling of protein sequence and biophysical properties (such as structural, functional, and spatial information, amino acid conservation, physicochemical variation, residue mobility, and thermodynamic stability) indicates that this missense variant is not expected to disrupt NOTCH2 protein function with a negative predictive value of 80%. In summary, the available evidence is currently insufficient to determine the role of this variant in disease. Therefore, it has been classified as a Variant of Uncertain Significance.

NM_024408.4(NOTCH2):c.2999G>C (p.Gly1000Ala)

Gene: NOTCH2 (notch receptor 2; minus strand). Cytogenetic location: 1p12.
Variant type: single nucleotide variant.
Coding change: c.2999G>C on transcript NM_024408.4 (MANE Select); coding-DNA position 2999, G replaced by C.
Protein change: p.Gly1000Ala; replaces glycine 1000 with alanine.
Molecular consequence: missense variant.
Genome position (GRCh38, 1-based): chr1:119,940,739, C>G on the plus strand (G>C on the coding strand, the complement: NOTCH2 is on the minus strand). VCF-style: chr1-119940739-C-G. GRCh37 (hg19) VCF-style: chr1-120483362-C-G.
Other names: c.2999G>C, p.Gly1000Ala (NM_001200001.2); c.2999G>C (NM_024408.3); short protein forms G1000A.
Identifiers: ClinVar variation 3696919 (VCV003696919.3).